The following is an entry in ClinVar:

NM_005458.8(GABBR2):c.824G>A (p.Ser275Asn)

Gene: GABBR2 (gamma-aminobutyric acid type B receptor subunit 2; minus strand). Cytogenetic location: 9q22.33.
Variant type: single nucleotide variant.
Coding change: c.824G>A on transcript NM_005458.8 (MANE Select); coding-DNA position 824, G replaced by A.
Protein change: p.Ser275Asn; replaces serine 275 with asparagine.
Molecular consequence: missense variant.
Genome position (GRCh38, 1-based): chr9:98,473,321, C>T on the plus strand (G>A on the coding strand, the complement: GABBR2 is on the minus strand). VCF-style: chr9-98473321-C-T. GRCh37 (hg19) VCF-style: chr9-101235603-C-T.
Other names: short protein forms S275N.
Identifiers: ClinVar variation 2814308 (VCV002814308.3), dbSNP rs2491670937, ClinGen allele CA374351622.

ClinVar aggregate classification (germline): Uncertain significance (1 of 4 stars; one submission).

Conditions:
Epileptic encephalopathy. Identifiers: MedGen C0543888, HP:0200134.

Submission:

Labcorp Genetics (formerly Invitae), Labcorp
Classification: Uncertain significance for Epileptic encephalopathy. Last evaluated: 2022-11-23. Review status: criteria provided, single submitter. Criteria: Invitae Variant Classification Sherloc (09022015). Collection method: clinical testing. Allele origin: germline.
Comment: This sequence change replaces serine, which is neutral and polar, with asparagine, which is neutral and polar, at codon 275 of the GABBR2 protein (p.Ser275Asn). This variant is not present in population databases (gnomAD no frequency). This variant has not been reported in the literature in individuals affected with GABBR2-related conditions. Advanced modeling of protein sequence and biophysical properties (such as structural, functional, and spatial information, amino acid conservation, physicochemical variation, residue mobility, and thermodynamic stability) performed at Invitae indicates that this missense variant is not expected to disrupt GABBR2 protein function. In summary, the available evidence is currently insufficient to determine the role of this variant in disease. Therefore, it has been classified as a Variant of Uncertain Significance.